The following is an entry in ClinVar:

NM_002471.4(MYH6):c.2685+14A>T

Gene: MYH6 (myosin heavy chain 6; minus strand). Cytogenetic location: 14q11.2.
Variant type: single nucleotide variant.
Coding change: c.2685+14A>T on transcript NM_002471.4 (MANE Select); 14 bases into the intron after coding-DNA position 2685, A replaced by T.
Molecular consequence: intron variant.
Genome position (GRCh38, 1-based): chr14:23,394,054, T>A on the plus strand (A>T on the coding strand, the complement: MYH6 is on the minus strand). VCF-style: chr14-23394054-T-A. GRCh37 (hg19) VCF-style: chr14-23863263-T-A.
Identifiers: ClinVar variation 312868 (VCV000312868.3), dbSNP rs765118655, ClinGen allele CA7115406.

ClinVar aggregate classification (germline): Likely benign. Review status: criteria provided, multiple submitters, no conflicts (2 of 4 stars). 2 submissions from 2 submitters: Likely benign (2). Last evaluated 2024-08-29.

Conditions:
Hypertrophic cardiomyopathy 14. Identifiers: MedGen C2750467, MONDO:0013197, OMIM 613251.

Allele frequency attached by ClinVar (database versions not stated): gnomAD exomes below 0.00001; ExAC 0.00001; gnomAD 0.00001.
gnomAD v4.1: 5 of 1,613,932 alleles (0.00031%); highest among the groups gnomAD compares: Non-Finnish European, 0.00042%; no homozygotes.

Submissions (2):

Labcorp Genetics (formerly Invitae), Labcorp
Classification: Likely benign for Hypertrophic cardiomyopathy 14. Last evaluated: 2024-08-29. Review status: criteria provided, single submitter. Criteria: Invitae Variant Classification Sherloc (09022015). Collection method: clinical testing. Allele origin: germline.

GeneDx
Classification: Likely benign. Last evaluated: 2016-11-11. Review status: criteria provided, single submitter. Criteria: GeneDx Variant Classification (06012015). Collection method: clinical testing. Allele origin: germline. Affected: yes.
Comment: This variant is considered likely benign or benign based on one or more of the following criteria: it is a conservative change, it occurs at a poorly conserved position in the protein, it is predicted to be benign by multiple in silico algorithms, and/or has population frequency not consistent with disease.